The following is an entry in ClinVar:

ClinVar aggregate classification (germline): Uncertain significance (1 of 4 stars; one submission).

Conditions:
Intellectual developmental disorder, autosomal dominant 58. Also called: MENTAL RETARDATION, AUTOSOMAL DOMINANT 58; Intellectual disability, autosomal dominant 58. Identifiers: MedGen C4748195, MONDO:0020847, OMIM 618106.

Submission:

Juno Genomics, Hangzhou Juno Genomics, Inc
Classification: Uncertain significance for Intellectual developmental disorder, autosomal dominant 58. Review status: criteria provided, single submitter. Criteria: ACMG Guidelines, 2015. Collection method: clinical testing. Allele origin: germline.
Comment: Absent from controls (or at extremely low frequency if recessive) in Genome Aggregation Database.;Multiple lines of computational evidence support a deleterious effect on the gene or gene product.

NM_003011.4(SET):c.73+377G>T

Genes: SET (SET nuclear proto-oncogene; plus strand), LOC130002719 (ATAC-STARR-seq lymphoblastoid silent region 20348; plus strand). Cytogenetic location: 9q34.11.
Variant type: single nucleotide variant.
Coding change: c.73+377G>T on transcript NM_003011.4 (MANE Select); 377 bases into the intron after coding-DNA position 73, G replaced by T.
Molecular consequence: intron variant.
Genome position (GRCh38, 1-based): chr9:128,690,032, G>T. VCF-style: chr9-128690032-G-T. GRCh37 (hg19) VCF-style: chr9-131452311-G-T.
Other names: c.113-1138G>T (NM_001374326.1, NM_001122821.2); c.47-1138G>T (NM_001248000.2); c.40+6G>T (NM_001248001.2).
Identifiers: ClinVar variation 5007397 (VCV005007397.2).